The following is an entry in ClinVar:

NM_005055.5(RAPSN):c.110C>T (p.Ser37Leu)

Gene: RAPSN (receptor associated protein of the synapse; minus strand). Cytogenetic location: 11p11.2.
Variant type: single nucleotide variant.
Coding change: c.110C>T on transcript NM_005055.5 (MANE Select); coding-DNA position 110, C replaced by T.
Protein change: p.Ser37Leu; replaces serine 37 with leucine.
Molecular consequence: missense variant.
Genome position (GRCh38, 1-based): chr11:47,448,855, G>A on the plus strand (C>T on the coding strand, the complement: RAPSN is on the minus strand). VCF-style: chr11-47448855-G-A. GRCh37 (hg19) VCF-style: chr11-47470407-G-A.
Other names: c.110C>T, p.Ser37Leu (NM_032645.5); short protein forms S37L.
Identifiers: ClinVar variation 2065420 (VCV002065420.3), dbSNP rs764114482, ClinGen allele CA5976837.

ClinVar aggregate classification (germline): Uncertain significance (1 of 4 stars; one submission).

Conditions:
Fetal akinesia deformation sequence 1 (FADS1). Also called: Fetal akinesia sequence; Pena-Shokeir syndrome type I. Identifiers: Orphanet 994, MedGen C1276035, MONDO:0100101, OMIM 208150, HP:0001989.
Congenital myasthenic syndrome 11. Also called: Myasthenic syndrome, congenital, 11, associated with acetylcholine receptor deficiency; MYASTHENIC SYNDROME, CONGENITAL, Ie. Identifiers: Orphanet 590, MedGen C4225367, MONDO:0014588, OMIM 616326.

Allele frequency attached by ClinVar (database versions not stated): gnomAD exomes below 0.00001; TOPMed below 0.00001; ExAC 0.00002.
gnomAD v4.1: 7 of 1,614,150 alleles (0.00043%); highest among the groups gnomAD compares: South Asian, 0.0011%; no homozygotes.

Submission:

Labcorp Genetics (formerly Invitae), Labcorp
Classification: Uncertain significance for Congenital myasthenic syndrome 11; Fetal akinesia deformation sequence 1. Last evaluated: 2024-10-15. Review status: criteria provided, single submitter. Criteria: Invitae Variant Classification Sherloc (09022015). Collection method: clinical testing. Allele origin: germline.
Comment: This sequence change replaces serine, which is neutral and polar, with leucine, which is neutral and non-polar, at codon 37 of the RAPSN protein (p.Ser37Leu). This variant is present in population databases (rs764114482, gnomAD 0.002%). This variant has not been reported in the literature in individuals affected with RAPSN-related conditions. ClinVar contains an entry for this variant (Variation ID: 2065420). Invitae Evidence Modeling of protein sequence and biophysical properties (such as structural, functional, and spatial information, amino acid conservation, physicochemical variation, residue mobility, and thermodynamic stability) indicates that this missense variant is not expected to disrupt RAPSN protein function with a negative predictive value of 80%. In summary, the available evidence is currently insufficient to determine the role of this variant in disease. Therefore, it has been classified as a Variant of Uncertain Significance.